The following is an entry in ClinVar:

ClinVar aggregate classification (germline): Conflicting classifications of pathogenicity. Review status: criteria provided, conflicting classifications (1 of 4 stars). 3 submissions from 3 submitters: Uncertain significance (2); Benign (1). Last evaluated 2025-09-15.

Conditions:
Hereditary cancer-predisposing syndrome. Also called: Hereditary neoplastic syndrome; Tumor predisposition; Neoplastic Syndromes, Hereditary; Hereditary Cancer Syndrome. Identifiers: Orphanet 140162, MedGen C0027672, MeSH D009386, MONDO:0015356.
Multiple endocrine neoplasia, type 1 (MEN1). Also called: MEN I; Endocrine adenomatosis multiple; MEN 1; WERMER SYNDROME; MEA I. Identifiers: Orphanet 652, MedGen C0025267, MeSH D018761, MONDO:0007540, OMIM 131100.

Allele frequency attached by ClinVar (database versions not stated): gnomAD exomes below 0.00001 and 0.00001; TOPMed 0.00001.

Submissions (3):

Labcorp Genetics (formerly Invitae), Labcorp
Classification: Benign for Multiple endocrine neoplasia, type 1. Last evaluated: 2025-09-15. Review status: criteria provided, single submitter. Criteria: Invitae Variant Classification Sherloc (09022015). Collection method: clinical testing. Allele origin: germline.

Ambry Genetics
Classification: Uncertain significance for Hereditary cancer-predisposing syndrome. Last evaluated: 2023-11-09. Review status: criteria provided, single submitter. Criteria: Ambry Variant Classification Scheme 2023. Collection method: clinical testing. Allele origin: germline.
Comment: The p.E466K variant (also known as c.1396G>A), located in coding exon 9 of the MEN1 gene, results from a G to A substitution at nucleotide position 1396. The glutamic acid at codon 466 is replaced by lysine, an amino acid with similar properties. This amino acid position is well conserved in available vertebrate species. In addition, the in silico prediction for this alteration is inconclusive. Since supporting evidence is limited at this time, the clinical significance of this alteration remains unclear.

All of Us Research Program, National Institutes of Health
Classification: Uncertain significance for Multiple endocrine neoplasia, type 1. Last evaluated: 2023-05-31. Review status: criteria provided, single submitter. Criteria: ACMG Guidelines, 2015. Collection method: clinical testing. Allele origin: germline. Inheritance: Autosomal dominant inheritance. Observed: 1 variant allele, 1 heterozygote.
Comment: This study involves interpretation of variants in research participants for the purpose of population health screening. Participant phenotype was not available at the time of variant classification. Additional details can be found in publication PMID: 35346344, PMCID: PMC8962531

NM_001370259.2(MEN1):c.1396G>A (p.Glu466Lys)

Gene: MEN1 (menin 1; minus strand). Cytogenetic location: 11q13.1.
Variant type: single nucleotide variant.
Coding change: c.1396G>A on transcript NM_001370259.2 (MANE Select); coding-DNA position 1396, G replaced by A.
Protein change: p.Glu466Lys; replaces glutamic acid 466 with lysine.
Molecular consequence: missense variant.
Genome position (GRCh38, 1-based): chr11:64,804,771, C>T on the plus strand (G>A on the coding strand, the complement: MEN1 is on the minus strand). VCF-style: chr11-64804771-C-T. GRCh37 (hg19) VCF-style: chr11-64572243-C-T.
Other names: c.1411G>A, p.Glu471Lys (NM_000244.4, NM_130800.3, NM_130801.3 and 3 more transcripts); c.1522G>A, p.Glu508Lys (NM_001370251.2); c.1396G>A, p.Glu466Lys (NM_001370260.2, NM_001370261.2, NM_130799.3); c.1291G>A, p.Glu431Lys (NM_001370262.2, NM_001370263.2); short protein forms E466K, E471K, E431K, E508K.
Identifiers: ClinVar variation 428036 (VCV000428036.14), dbSNP rs1114167497, ClinGen allele CA381179679.
Genomic context (GRCh38, chr11:64,804,771, plus strand): 5'-CCCGCCGTGGGCCCCGCCGCCGGCCTTCCCGGGCTTCCTCGCCCCACGGCTCCTCGGCCT[C>T]GGCCGCCTCGGCCTCTCGGCTCACTATGCGCACCTTCTGCCGCACCTGGGCCAGTGGGGA-3'
Protein context (NP_001357188.2, residues 456-476): RIVSREAEAA[Glu466Lys]AEEPWGEEAR